The following is an entry in ClinVar:

NM_001486.4(GCKR):c.16C>T (p.Arg6Trp)

Gene: GCKR (glucokinase regulator; plus strand). Cytogenetic location: 2p23.3.
Variant type: single nucleotide variant.
Coding change: c.16C>T on transcript NM_001486.4 (MANE Select); coding-DNA position 16, C replaced by T.
Protein change: p.Arg6Trp; replaces arginine 6 with tryptophan.
Molecular consequence: missense variant.
Genome position (GRCh38, 1-based): chr2:27,496,920, C>T. VCF-style: chr2-27496920-C-T. GRCh37 (hg19) VCF-style: chr2-27719787-C-T.
Other names: short protein forms R6W.
Identifiers: ClinVar variation 2662766 (VCV002662766.1), dbSNP rs148413763, ClinGen allele CA1581390.

ClinVar aggregate classification (germline): Uncertain significance (1 of 4 stars; one submission).

Allele frequency attached by ClinVar (database versions not stated): ExAC 0.00007; ESP Exome Variant Server 0.00008; 1000 Genomes Project 30x 0.00016; 1000 Genomes Project 0.00020.
gnomAD v4.1: 40 of 1,613,784 alleles (0.0025%); highest among the groups gnomAD compares: South Asian, 0.029%; no homozygotes.

Submission:

GeneDx
Classification: Uncertain significance. Last evaluated: 2023-04-04. Review status: criteria provided, single submitter. Criteria: GeneDx Variant Classification Process June 2021. Collection method: clinical testing. Allele origin: germline. Affected: yes.
Comment: Has not been previously published as pathogenic or benign to our knowledge; In silico analysis supports that this missense variant does not alter protein structure/function